The following is an entry in ClinVar:

NM_004370.6(COL12A1):c.1934C>T (p.Ser645Phe)

Gene: COL12A1 (collagen type XII alpha 1 chain; minus strand). Cytogenetic location: 6q13.
Variant type: single nucleotide variant.
Coding change: c.1934C>T on transcript NM_004370.6 (MANE Select); coding-DNA position 1934, C replaced by T.
Protein change: p.Ser645Phe; replaces serine 645 with phenylalanine.
Molecular consequence: missense variant. On other transcripts: intron variant (1).
Genome position (GRCh38, 1-based): chr6:75,181,169, G>A on the plus strand (C>T on the coding strand, the complement: COL12A1 is on the minus strand). VCF-style: chr6-75181169-G-A. GRCh37 (hg19) VCF-style: chr6-75890885-G-A.
Other names: c.73+21551C>T (NM_080645.3); short protein forms S645F.
Identifiers: ClinVar variation 1355596 (VCV001355596.6), dbSNP rs1031869609, ClinGen allele CA141027537.
Genomic context (GRCh38, chr6:75,181,169, plus strand): 5'-GTGATGTGATATGAAAAAACATTTTCTCCAGCTGGAGACCAGTTGGTTTTGAAACCATAA[G>A]AAGTCACTTCTGAAAAACTAAGATCCTTTGGAGGGACGTAAGCTATTTAAAAAAAAAAAA-3'
Protein context (NP_004361.3, residues 635-655): PKDLSFSEVT[Ser645Phe]YGFKTNWSPA

ClinVar aggregate classification (germline): Uncertain significance (1 of 4 stars; one submission).

Conditions:
Ullrich congenital muscular dystrophy 2 (UCMD2). Identifiers: Orphanet 75840, MedGen C4225314, MONDO:0014654, OMIM 616470.
Bethlem myopathy 2 (BTHLM2). Identifiers: Orphanet 536516, Orphanet 610, MedGen C4225313, MONDO:0034022, OMIM 616471.

Allele frequency attached by ClinVar (database versions not stated): gnomAD 0.00001.

Submission:

Labcorp Genetics (formerly Invitae), Labcorp
Classification: Uncertain significance for Bethlem myopathy 2; Ullrich congenital muscular dystrophy 2. Last evaluated: 2025-09-15. Review status: criteria provided, single submitter. Criteria: Invitae Variant Classification Sherloc (09022015). Collection method: clinical testing. Allele origin: germline.
Comment: This sequence change replaces serine, which is neutral and polar, with phenylalanine, which is neutral and non-polar, at codon 645 of the COL12A1 protein (p.Ser645Phe). This variant is not present in population databases (gnomAD no frequency). This variant has not been reported in the literature in individuals affected with COL12A1-related conditions. ClinVar contains an entry for this variant (Variation ID: 1355596). Invitae Evidence Modeling of protein sequence and biophysical properties (such as structural, functional, and spatial information, amino acid conservation, physicochemical variation, residue mobility, and thermodynamic stability) indicates that this missense variant is not expected to disrupt COL12A1 protein function with a negative predictive value of 80%. In summary, the available evidence is currently insufficient to determine the role of this variant in disease. Therefore, it has been classified as a Variant of Uncertain Significance.